The following is an entry in ClinVar:

ClinVar aggregate classification (germline): Uncertain significance. Review status: criteria provided, multiple submitters, no conflicts (2 of 4 stars). 2 submissions from 2 submitters: Uncertain significance (2). Last evaluated 2024-11-10.

Allele frequency attached by ClinVar (database versions not stated): ExAC 0.00001; gnomAD exomes 0.00001.
gnomAD v4.1: 1 of 1,614,018 alleles (0.000062%); highest among the groups gnomAD compares: East Asian, 0.0022%; no homozygotes.

Submissions (2):

Ambry Genetics
Classification: Uncertain significance. Last evaluated: 2024-11-10. Review status: criteria provided, single submitter. Criteria: Ambry Variant Classification Scheme 2023. Collection method: clinical testing. Allele origin: germline.
Comment: The p.A585D variant (also known as c.1754C>A), located in coding exon 12 of the RINT1 gene, results from a C to A substitution at nucleotide position 1754. The alanine at codon 585 is replaced by aspartic acid, an amino acid with dissimilar properties. This amino acid position is conserved. In addition, the in silico prediction for this alteration is inconclusive. Based on the available evidence, the clinical significance of this variant remains unclear.

Labcorp Genetics (formerly Invitae), Labcorp
Classification: Uncertain significance. Last evaluated: 2024-04-22. Review status: criteria provided, single submitter. Criteria: Invitae Variant Classification Sherloc (09022015). Collection method: clinical testing. Allele origin: germline.
Comment: This sequence change replaces alanine, which is neutral and non-polar, with aspartic acid, which is acidic and polar, at codon 585 of the RINT1 protein (p.Ala585Asp). This variant is present in population databases (rs755864687, gnomAD 0.006%). This variant has not been reported in the literature in individuals affected with RINT1-related conditions. ClinVar contains an entry for this variant (Variation ID: 1386351). An algorithm developed to predict the effect of missense changes on protein structure and function (PolyPhen-2) suggests that this variant is likely to be tolerated. In summary, the available evidence is currently insufficient to determine the role of this variant in disease. Therefore, it has been classified as a Variant of Uncertain Significance.

NM_021930.6(RINT1):c.1754C>A (p.Ala585Asp)

Gene: RINT1 (RAD50 interactor 1; plus strand). Cytogenetic location: 7q22.3.
Variant type: single nucleotide variant.
Coding change: c.1754C>A on transcript NM_021930.6 (MANE Select); coding-DNA position 1754, C replaced by A.
Protein change: p.Ala585Asp; replaces alanine 585 with aspartic acid.
Molecular consequence: missense variant. On other transcripts: non-coding transcript variant (1).
Genome position (GRCh38, 1-based): chr7:105,563,815, C>A. VCF-style: chr7-105563815-C-A. GRCh37 (hg19) VCF-style: chr7-105204262-C-A.
Other names: c.1754C>A (NM_021930.4); c.1520C>A, p.Ala507Asp (NM_001346599.2); c.731C>A, p.Ala244Asp (NM_001346600.2, NM_001346603.2); c.830C>A, p.Ala277Asp (NM_001346601.2); short protein forms A507D, A244D, A277D, A585D.
Identifiers: ClinVar variation 1386351 (VCV001386351.9), dbSNP rs755864687, ClinGen allele CA4426766.